The following is an entry in ClinVar:

ClinVar aggregate classification (germline): Uncertain significance (1 of 4 stars; one submission).

Conditions:
Intellectual disability, X-linked, with or without seizures, ARX-related. Also called: MENTAL RETARDATION, X-LINKED 29; MENTAL RETARDATION, X-LINKED 32; MENTAL RETARDATION, X-LINKED 33; MENTAL RETARDATION, X-LINKED 38; MENTAL RETARDATION, X-LINKED 43; MENTAL RETARDATION, X-LINKED 76. Identifiers: Orphanet 777, MedGen C0796244, MONDO:0010317, OMIM 300419.
Developmental and epileptic encephalopathy, 1 (DEE1). Also called: X-linked infantile spasms; West's syndrome; Tonic spasms with clustering, arrest of psychomotor development and hypsarrhythmia on EEG; X-Linked Infantile Spasm Syndrome; OHTAHARA SYNDROME, X-LINKED; INFANTILE SPASM SYNDROME, X-LINKED 1. Identifiers: MedGen C3463992, MONDO:0010632, OMIM 308350. Disease mechanism: loss of function.

Allele frequency attached by ClinVar (database versions not stated): TOPMed 0.00002 and 0.00001; gnomAD 0.00001.

Submission:

Labcorp Genetics (formerly Invitae), Labcorp
Classification: Uncertain significance for Developmental and epileptic encephalopathy, 1; Intellectual disability, X-linked, with or without seizures, ARX-related. Last evaluated: 2019-05-13. Review status: criteria provided, single submitter. Criteria: Invitae Variant Classification Sherloc (09022015). Collection method: clinical testing. Allele origin: germline.
Comment: In summary, the available evidence is currently insufficient to determine the role of this variant in disease. Therefore, it has been classified as a Variant of Uncertain Significance. Experimental studies and prediction algorithms are not available for this variant, and the functional significance of the affected amino acid(s) is currently unknown. This variant has not been reported in the literature in individuals with ARX-related conditions. The frequency data for this variant in the population databases is considered unreliable, as metrics indicate insufficient coverage at this position in the ExAC database. This variant, c.457_465dup, results in the insertion of 3 amino acid(s) to the ARX protein (p.Ala153_Ala155dup), but otherwise preserves the integrity of the reading frame.

NM_139058.3(ARX):c.448GCCGCGGCC[3] (p.Ala153_Ala155dup)

Genes: ARX (aristaless related homeobox; minus strand), LOC109610631 (aristaless related homeobox polyalanine expansion region; plus strand). Cytogenetic location: Xp21.3.
Variant type: Microsatellite.
Coding change: c.448GCCGCGGCC[3] on transcript NM_139058.3 (MANE Select); three copies in a row of the 9-base unit GCCGCGGCC starting at c.448; the reference has two copies in a row; one copy, 9 bases duplicated.
Protein change: p.Ala153_Ala155dup.
Molecular consequence: inframe insertion.
Genome position (GRCh38, 1-based): chrX:25,013,530-25,013,538, GGCCGCGGC duplicated on the plus strand (GCCGCGGCC on the coding strand, the reverse complement: ARX is on the minus strand); duplicating any 9 consecutive bases within chrX:25,013,530-25,013,547 gives the same sequence; the position shown is the placement nearest the transcript's 3' end. VCF-style (leftmost placement, unchanged base first): chrX-25013529-A-AGGCCGCGGC. GRCh37 (hg19) VCF-style: chrX-25031646-A-AGGCCGCGGC.
Identifiers: ClinVar variation 933998 (VCV000933998.8), dbSNP rs797045302, ClinGen allele CA1131757211.
Genomic context (GRCh38, chrX:25,013,529, plus strand): 5'-GGTACGACTTGCTGCGGCTGATGCTCACCTGCGGCGCCTGGCTGATCTTGAGCGTGTCCC[A>AGGCCGCGGC]GGCCGCGGCGGCCGCGGCCGCGGCTGCCGCGGCGGCCCCTGCGCCGTCCGGCCGTTCCCC-3'